The following is an entry in ClinVar:

ClinVar aggregate classification (germline): Uncertain significance (1 of 4 stars; one submission).

Allele frequency attached by ClinVar (database versions not stated): gnomAD exomes below 0.00001.

Submission:

Labcorp Genetics (formerly Invitae), Labcorp
Classification: Uncertain significance. Last evaluated: 2023-05-11. Review status: criteria provided, single submitter. Criteria: Invitae Variant Classification Sherloc (09022015). Collection method: clinical testing. Allele origin: germline.
Comment: In summary, the available evidence is currently insufficient to determine the role of this variant in disease. Therefore, it has been classified as a Variant of Uncertain Significance. An algorithm developed to predict the effect of missense changes on protein structure and function (PolyPhen-2) suggests that this variant is likely to be disruptive. This variant has not been reported in the literature in individuals affected with DSG1-related conditions. This variant is present in population databases (no rsID available, gnomAD 0.007%). This sequence change replaces isoleucine, which is neutral and non-polar, with valine, which is neutral and non-polar, at codon 899 of the DSG1 protein (p.Ile899Val).

NM_001942.4(DSG1):c.2695A>G (p.Ile899Val)

Genes: DSG1 (desmoglein 1; plus strand), DSG1-AS1 (DSG1 antisense RNA 1; minus strand). Cytogenetic location: 18q12.1.
Variant type: single nucleotide variant.
Coding change: c.2695A>G on transcript NM_001942.4 (MANE Select); coding-DNA position 2695, A replaced by G.
Protein change: p.Ile899Val; replaces isoleucine 899 with valine.
Molecular consequence: missense variant.
Genome position (GRCh38, 1-based): chr18:31,354,891, A>G. VCF-style: chr18-31354891-A-G. GRCh37 (hg19) VCF-style: chr18-28934854-A-G.
Other names: short protein forms I899V.
Identifiers: ClinVar variation 2863278 (VCV002863278.3), dbSNP rs1234308235, ClinGen allele CA402124152.